The following is an entry in ClinVar:

ClinVar aggregate classification (germline): Conflicting classifications of pathogenicity. Review status: criteria provided, conflicting classifications (1 of 4 stars). 2 submissions from 2 submitters: Uncertain significance (1); Benign (1). Last evaluated 2026-08-06.

Submissions (2):

OLLIN Analises Genomicas, OLLIN
Classification: Uncertain significance. Last evaluated: 2026-08-06. Review status: criteria provided, single submitter. Criteria: ACMG Guidelines 2015 PMID 25741868. Collection method: clinical testing. Allele origin: germline.
Comment: This missense variant, located in exon 5 (of 5), is absent from gnomAD and has not been identified in the literature. However, it has been reported in ClinVar (accession VCV003910409.1). In silico analysis predicts that this variant has a tolerated effect. According to the currently available evidence, this variant has been classified as uncertain significance (PM2_P, BP4).

Laboratory of Genetics, Children's Clinical University Hospital Latvia
Classification: Benign. Last evaluated: 2025-02-16. Review status: criteria provided, single submitter. Criteria: ACMG Guidelines, 2015. Collection method: clinical testing. Allele origin: germline. Affected: yes.

NM_014208.3(DSPP):c.3356A>G (p.Asp1119Gly)

Genes: DMP1-AS1 (DMP1 and DSPP antisense RNA 1; minus strand), DSPP (dentin sialophosphoprotein; plus strand). Cytogenetic location: 4q22.1.
Variant type: single nucleotide variant.
Coding change: c.3356A>G on transcript NM_014208.3 (MANE Select); coding-DNA position 3356, A replaced by G.
Protein change: p.Asp1119Gly; replaces aspartic acid 1119 with glycine.
Molecular consequence: missense variant.
Genome position (GRCh38, 1-based): chr4:87,616,018, A>G. VCF-style: chr4-87616018-A-G. GRCh37 (hg19) VCF-style: chr4-88537170-A-G.
Other names: short protein forms D1119G.
Identifiers: ClinVar variation 3910409 (VCV003910409.2).